The following is an entry in ClinVar:

NM_000245.4(MET):c.3593A>G (p.Lys1198Arg)

Gene: MET (MET proto-oncogene, receptor tyrosine kinase; plus strand). Cytogenetic location: 7q31.2.
Variant type: single nucleotide variant.
Coding change: c.3593A>G on transcript NM_000245.4 (MANE Select); coding-DNA position 3593, A replaced by G.
Protein change: p.Lys1198Arg; replaces lysine 1198 with arginine.
Molecular consequence: missense variant.
Genome position (GRCh38, 1-based): chr7:116,782,058, A>G. VCF-style: chr7-116782058-A-G. GRCh37 (hg19) VCF-style: chr7-116422112-A-G.
Other names: c.3647A>G (NM_001127500.1); c.3647A>G, p.Lys1216Arg (NM_001127500.3); c.2303A>G, p.Lys768Arg (NM_001324402.2); short protein forms K1198R, K1216R, K768R.
Identifiers: ClinVar variation 1697563 (VCV001697563.8), dbSNP rs2117060321, ClinGen allele CA368991119.
Genomic context (GRCh38, chr7:116,782,058, plus strand): 5'-TAAAAGATCTTATTGGCTTTGGTCTTCAAGTAGCCAAAGGCATGAAATATCTTGCAAGCA[A>G]AAAGTTTGTCCACAGAGACTTGGCTGCAAGAAACTGTATGTAAGTATCAGAATCTCTGTG-3'
Protein context (NP_000236.2, residues 1188-1208): VAKGMKYLAS[Lys1198Arg]KFVHRDLAAR

ClinVar aggregate classification (germline): Uncertain significance. Review status: criteria provided, multiple submitters, no conflicts (2 of 4 stars). 2 submissions from 2 submitters: Uncertain significance (2). Last evaluated 2025-08-20.

Conditions:
Hereditary cancer-predisposing syndrome. Also called: Hereditary neoplastic syndrome; Tumor predisposition; Neoplastic Syndromes, Hereditary; Hereditary Cancer Syndrome. Identifiers: Orphanet 140162, MedGen C0027672, MeSH D009386, MONDO:0015356.

Submissions (2):

Ambry Genetics
Classification: Uncertain significance for Hereditary cancer-predisposing syndrome. Last evaluated: 2025-08-20. Review status: criteria provided, single submitter. Criteria: Ambry Variant Classification Scheme 2023. Collection method: clinical testing. Allele origin: germline.
Comment: The p.K1216R variant (also known as c.3647A>G), located in coding exon 17 of the MET gene, results from an A to G substitution at nucleotide position 3647. The lysine at codon 1216 is replaced by arginine, an amino acid with highly similar properties. This amino acid position is conserved. In addition, this alteration is predicted to be deleterious by in silico analysis. Based on the available evidence, the clinical significance of this variant remains unclear.

Center for Genomic Medicine, Rigshospitalet, Copenhagen University Hospital
Classification: Uncertain significance. Last evaluated: 2025-03-04. Review status: criteria provided, single submitter. Criteria: ACMG Guidelines, 2015. Collection method: clinical testing. Allele origin: germline.